The following is an entry in ClinVar:

ClinVar aggregate classification (germline): Uncertain significance (1 of 4 stars; one submission).

Conditions:
46,XY sex reversal 7. Also called: DHH-Related 46,XY complete gonadal dysgenesis; 46,XY GONADAL DYSGENESIS, PARTIAL OR COMPLETE, DHH-RELATED; GONADAL DYSGENESIS, XY, MALE-LIMITED; 46,XY SEX REVERSAL, PARTIAL OR COMPLETE, DHH-RELATED. Identifiers: Orphanet 242, MedGen C1856273, MONDO:0009301, OMIM 233420.

Submission:

Neuberg Centre For Genomic Medicine, NCGM
Classification: Uncertain significance for 46,XY sex reversal 7. Last evaluated: 2024-02-01. Review status: criteria provided, single submitter. Criteria: ACMG Guidelines, 2015. Collection method: clinical testing. Allele origin: germline. Inheritance: Autosomal recessive inheritance. Affected: yes.
Comment: The missense variant c.1112C>T(p.Pro371Leu) in the DHH gene has not been reported previously as a pathogenic variant nor as a benign variant, to our knowledge. For the above mentioned reasons, this variant has been classified as Uncertain Significance.

NM_021044.4(DHH):c.1112C>T (p.Pro371Leu)

Gene: DHH (desert hedgehog signaling molecule; minus strand). Cytogenetic location: 12q13.12.
Variant type: single nucleotide variant.
Coding change: c.1112C>T on transcript NM_021044.4 (MANE Select); coding-DNA position 1112, C replaced by T.
Protein change: p.Pro371Leu; replaces proline 371 with leucine.
Molecular consequence: missense variant.
Genome position (GRCh38, 1-based): chr12:49,089,938, G>A on the plus strand (C>T on the coding strand, the complement: DHH is on the minus strand). VCF-style: chr12-49089938-G-A. GRCh37 (hg19) VCF-style: chr12-49483721-G-A.
Other names: short protein forms P371L.
Identifiers: ClinVar variation 3895508 (VCV003895508.1).